The following is an entry in ClinVar:

NM_022436.3(ABCG5):c.537T>A (p.His179Gln)

Genes: ABCG5 (ATP binding cassette subfamily G member 5; minus strand), DYNC2LI1 (dynein cytoplasmic 2 light intermediate chain 1; plus strand). Cytogenetic location: 2p21.
Variant type: single nucleotide variant.
Coding change: c.537T>A on transcript NM_022436.3 (MANE Select); coding-DNA position 537, T replaced by A.
Protein change: p.His179Gln; replaces histidine 179 with glutamine.
Molecular consequence: missense variant. On other transcripts: 3 prime UTR variant (2).
Genome position (GRCh38, 1-based): chr2:43,828,080, A>T on the plus strand (T>A on the coding strand, the complement: ABCG5 is on the minus strand). VCF-style: chr2-43828080-A-T. GRCh37 (hg19) VCF-style: chr2-44055219-A-T.
Other names: c.*710A>T (NM_001348912.2, NM_001348913.2); short protein forms H179Q.
Identifiers: ClinVar variation 2756446 (VCV002756446.3), dbSNP rs1303264901, ClinGen allele CA346667537.
Genomic context (GRCh38, chr2:43,828,080, plus strand): 5'-GCGCCGCTCACCCGTGGAAATGCCCCCCAAGCTGTAGTTGCCAATCAGTCGGTCTGCCAC[A>T]TGGCTCAGACTCAGCTCTGCCATGACGGCCTCCACCTGCAGGAGACACAAATTACAGGAA-3'
Protein context (NP_071881.1, residues 169-189): EAVMAELSLS[His179Gln]VADRLIGNYS

ClinVar aggregate classification (germline): Uncertain significance (1 of 4 stars; one submission).

Conditions:
Sitosterolemia (STSL). Also called: PHYTOSTEROLEMIA. Identifiers: Orphanet 2882, MedGen C0342907, MONDO:0008863.

Allele frequency attached by ClinVar (database versions not stated): gnomAD exomes below 0.00001.
gnomAD v4.1: 1 of 1,614,102 alleles (0.000062%); highest among the groups gnomAD compares: Non-Finnish European, 0.000085%; no homozygotes.

Submission:

Labcorp Genetics (formerly Invitae), Labcorp
Classification: Uncertain significance for Sitosterolemia. Last evaluated: 2023-08-30. Review status: criteria provided, single submitter. Criteria: Invitae Variant Classification Sherloc (09022015). Collection method: clinical testing. Allele origin: germline.
Comment: In summary, the available evidence is currently insufficient to determine the role of this variant in disease. Therefore, it has been classified as a Variant of Uncertain Significance. An algorithm developed to predict the effect of missense changes on protein structure and function (PolyPhen-2) suggests that this variant is likely to be disruptive. This variant has not been reported in the literature in individuals affected with ABCG5-related conditions. This variant is not present in population databases (gnomAD no frequency). This sequence change replaces histidine, which is basic and polar, with glutamine, which is neutral and polar, at codon 179 of the ABCG5 protein (p.His179Gln).